The following is an entry in ClinVar:

ClinVar aggregate classification (germline): Uncertain significance (1 of 4 stars; one submission).

Conditions:
Myopathy, centronuclear, 2 (CNM2). Also called: MYOTUBULAR MYOPATHY, AUTOSOMAL RECESSIVE. Identifiers: Orphanet 169186, MedGen CN031787, MONDO:0009709, OMIM 255200.

Allele frequency attached by ClinVar (database versions not stated): gnomAD exomes 0.00001 and 0.00005.
gnomAD v4.1: 76 of 1,546,874 alleles (0.0049%); highest among the groups gnomAD compares: Non-Finnish European, 0.0063%; no homozygotes.

Submission:

Labcorp Genetics (formerly Invitae), Labcorp
Classification: Uncertain significance for Myopathy, centronuclear, 2. Last evaluated: 2024-12-18. Review status: criteria provided, single submitter. Criteria: Invitae Variant Classification Sherloc (09022015). Collection method: clinical testing. Allele origin: germline.
Comment: This sequence change replaces leucine, which is neutral and non-polar, with phenylalanine, which is neutral and non-polar, at codon 359 of the BIN1 protein (p.Leu359Phe). The frequency data for this variant in the population databases is considered unreliable, as metrics indicate poor data quality at this position in the gnomAD database. This variant has not been reported in the literature in individuals affected with BIN1-related conditions. ClinVar contains an entry for this variant (Variation ID: 1400720). An algorithm developed to predict the effect of missense changes on protein structure and function (PolyPhen-2) suggests that this variant is likely to be tolerated. In summary, the available evidence is currently insufficient to determine the role of this variant in disease. Therefore, it has been classified as a Variant of Uncertain Significance.

NM_139343.3(BIN1):c.1075C>T (p.Leu359Phe)

Gene: BIN1 (bridging integrator 1; minus strand). Cytogenetic location: 2q14.3.
Variant type: single nucleotide variant.
Coding change: c.1075C>T on transcript NM_139343.3 (MANE Select); coding-DNA position 1075, C replaced by T.
Protein change: p.Leu359Phe; replaces leucine 359 with phenylalanine.
Molecular consequence: missense variant. On other transcripts: intron variant (9).
Genome position (GRCh38, 1-based): chr2:127,057,529, G>A on the plus strand (C>T on the coding strand, the complement: BIN1 is on the minus strand). VCF-style: chr2-127057529-G-A. GRCh37 (hg19) VCF-style: chr2-127815105-G-A.
Other names: c.1075C>T, p.Leu359Phe (NM_001320640.2); c.982C>T, p.Leu328Phe (NM_001320641.2, NM_139347.3, NM_139348.3); c.994C>T, p.Leu332Phe (NM_001320642.1); c.1027C>T, p.Leu343Phe (NM_139346.3); c.837+1482C>T (NM_001320634.1); c.909+1482C>T (NM_139351.3, NM_139350.3, NM_139349.3); c.954+1482C>T (NM_001320632.2, NM_004305.4); c.1002+1482C>T (NM_001320633.2, NM_139345.3, NM_139344.3); short protein forms L359F, L332F, L343F, L328F.
Identifiers: ClinVar variation 1400720 (VCV001400720.6), dbSNP rs965561469, ClinGen allele CA348378548.
Genomic context (GRCh38, chr2:127,057,529, plus strand): 5'-TGACCTGGGAGGGGGTGGTCACGCTGATCTCAGGGACAAACGTGTCCTCAAACAGGCTGA[G>A]GATCTGCTCCTGCTTGACTTCCTTGGACGGGGTGTGTTTGGGAGGCGGAGGGACTGGTGG-3'
Protein context (NP_647593.1, residues 349-369): PSKEVKQEQI[Leu359Phe]SLFEDTFVPE